The following is an entry in ClinVar:

ClinVar aggregate classification (germline): Uncertain significance (1 of 4 stars; one submission).

Allele frequency attached by ClinVar (database versions not stated): gnomAD exomes 0.00001.
gnomAD v4.1: 7 of 1,572,502 alleles (0.00045%); highest among the groups gnomAD compares: Admixed American, 0.0018%; no homozygotes.

Submission:

Laboratory for Molecular Medicine, Mass General Brigham Personalized Medicine
Classification: Uncertain significance. Last evaluated: 2017-08-10. Review status: criteria provided, single submitter. Criteria: LMM Criteria. Collection method: clinical testing. Allele origin: germline. Observed: 1 variant allele.
Comment: The p.Asp406Asn variant in KCNQ4 has not been previously reported in individuals with hearing loss, but has been identified in 1/68584 European chromosomes and in 1/16162 Finnish chromosomes and 1/68584 non-Finnish European chromosomes by t he Genome Aggregation Database (gnomAD). Altho ugh this variant has been seen in the general population, its frequency is not h igh enough to rule out a pathogenic role. Computational prediction tools and con servation analysis suggest that the p.Asp406Asn variant may not impact the prote in, though this information is not predictive enough to rule out pathogenicity. In summary, the clinical significance of the p.Asp406Asn variant is uncertain.

NM_004700.4(KCNQ4):c.1216G>A (p.Asp406Asn)

Gene: KCNQ4 (potassium voltage-gated channel subfamily Q member 4; plus strand). Cytogenetic location: 1p34.2.
Variant type: single nucleotide variant.
Coding change: c.1216G>A on transcript NM_004700.4 (MANE Select); coding-DNA position 1216, G replaced by A.
Protein change: p.Asp406Asn; replaces aspartic acid 406 with asparagine.
Molecular consequence: missense variant. On other transcripts: intron variant (1).
Genome position (GRCh38, 1-based): chr1:40,824,182, G>A. VCF-style: chr1-40824182-G-A. GRCh37 (hg19) VCF-style: chr1-41289854-G-A.
Other names: c.1130+1780G>A (NM_172163.3); short protein forms D406N.
Identifiers: ClinVar variation 517519 (VCV000517519.4), dbSNP rs1264123218, ClinGen allele CA339898076.